The following is an entry in ClinVar:

ClinVar aggregate classification (germline): Uncertain significance (1 of 4 stars; one submission).

Conditions:
Epidermolysis bullosa simplex 5B, with muscular dystrophy (EBS5B). Also called: Epidermolysis bullosa simplex with muscular dystrophy; EPIDERMOLYSIS BULLOSA SIMPLEX AND LIMB-GIRDLE MUSCULAR DYSTROPHY. Identifiers: Orphanet 257, MedGen C2931072, MONDO:0009181, OMIM 226670.
Epidermolysis bullosa simplex 5C, with pyloric atresia (EBS5C). Also called: Epidermolysis bullosa simplex with pyloric atresia; PLEC-Related Epidermolysis Bullosa with Pyloric Atresia; PLEC1-Related Epidermolysis Bullosa with Pyloric Atresia. Identifiers: Orphanet 158684, MedGen C2677349, MONDO:0012807, OMIM 612138.
Epidermolysis bullosa simplex, Ogna type (EBS5A). Also called: Pidermolysis bullosa simplex 5A, Ogna type; EPIDERMOLYSIS BULLOSA SIMPLEX 5A, OGNA TYPE. Identifiers: Orphanet 79401, MedGen C0432317, MONDO:0007555, OMIM 131950.
Autosomal recessive limb-girdle muscular dystrophy type 2Q (LGMDR17). Also called: MUSCULAR DYSTROPHY, LIMB-GIRDLE, AUTOSOMAL RECESSIVE 17. Identifiers: Orphanet 254361, MedGen C3150989, MONDO:0013390, OMIM 613723.
Epidermolysis bullosa simplex with nail dystrophy (EBS5D). Identifiers: MedGen C4225309, MONDO:0014661, OMIM 616487.

Allele frequency attached by ClinVar (database versions not stated): TOPMed below 0.00001.
gnomAD v4.1: 5 of 1,612,578 alleles (0.00031%); highest among the groups gnomAD compares: Non-Finnish European, 0.00042%; no homozygotes.

Submission:

Labcorp Genetics (formerly Invitae), Labcorp
Classification: Uncertain significance for Autosomal recessive limb-girdle muscular dystrophy type 2Q; Epidermolysis bullosa simplex, Ogna type; Epidermolysis bullosa simplex with nail dystrophy; Epidermolysis bullosa simplex 5C, with pyloric atresia; Epidermolysis bullosa simplex 5B, with muscular dystrophy. Last evaluated: 2022-11-28. Review status: criteria provided, single submitter. Criteria: Invitae Variant Classification Sherloc (09022015). Collection method: clinical testing. Allele origin: germline.
Comment: In summary, the available evidence is currently insufficient to determine the role of this variant in disease. Therefore, it has been classified as a Variant of Uncertain Significance. Advanced modeling of protein sequence and biophysical properties (such as structural, functional, and spatial information, amino acid conservation, physicochemical variation, residue mobility, and thermodynamic stability) performed at Invitae indicates that this missense variant is not expected to disrupt PLEC protein function. ClinVar contains an entry for this variant (Variation ID: 1054235). This variant has not been reported in the literature in individuals affected with PLEC-related conditions. This variant is present in population databases (rs782269716, gnomAD 0.0009%). This sequence change replaces arginine, which is basic and polar, with tryptophan, which is neutral and slightly polar, at codon 4337 of the PLEC protein (p.Arg4337Trp).

NM_201384.3(PLEC):c.12928C>T (p.Arg4310Trp)

Gene: PLEC (plectin; minus strand). Cytogenetic location: 8q24.3.
Variant type: single nucleotide variant.
Coding change: c.12928C>T on transcript NM_201384.3 (MANE Select); coding-DNA position 12928, C replaced by T.
Protein change: p.Arg4310Trp; replaces arginine 4310 with tryptophan.
Molecular consequence: missense variant.
Genome position (GRCh38, 1-based): chr8:143,916,893, G>A on the plus strand (C>T on the coding strand, the complement: PLEC is on the minus strand). VCF-style: chr8-143916893-G-A. GRCh37 (hg19) VCF-style: chr8-144991061-G-A.
Other names: c.13009C>T, p.Arg4337Trp (NM_000445.5); c.12886C>T, p.Arg4296Trp (NM_201378.4); c.12862C>T, p.Arg4288Trp (NM_201379.3); c.13339C>T, p.Arg4447Trp (NM_201380.4); c.12832C>T, p.Arg4278Trp (NM_201381.3); c.12928C>T, p.Arg4310Trp (NM_201382.4); c.12940C>T, p.Arg4314Trp (NM_201383.3); short protein forms R4278W, R4288W, R4296W, R4310W, R4314W, R4337W, R4447W.
Identifiers: ClinVar variation 1054235 (VCV001054235.9), dbSNP rs782269716, ClinGen allele CA4923948.